The following is an entry in ClinVar:

NM_024740.2(ALG9):c.1750C>T (p.Arg584Trp)

Gene: ALG9 (ALG9 alpha-1,2-mannosyltransferase; minus strand). Cytogenetic location: 11q23.1.
Variant type: single nucleotide variant.
Coding change: c.1750C>T on transcript NM_024740.2 (MANE Select); coding-DNA position 1750, C replaced by T.
Protein change: p.Arg584Trp; replaces arginine 584 with tryptophan.
Molecular consequence: missense variant. On other transcripts: 3 prime UTR variant (2), non-coding transcript variant (1).
Genome position (GRCh38, 1-based): chr11:111,786,504, G>A on the plus strand (C>T on the coding strand, the complement: ALG9 is on the minus strand). VCF-style: chr11-111786504-G-A. GRCh37 (hg19) VCF-style: chr11-111657228-G-A.
Other names: c.1729C>T, p.Arg577Trp (NM_001077690.1, NM_001352417.1); c.1237C>T, p.Arg413Trp (NM_001077691.2, NM_001352413.1, NM_001352414.2 and 1 more transcripts); c.1216C>T, p.Arg406Trp (NM_001077692.2, NM_001352409.1, NM_001352410.1 and 4 more transcripts); c.1606C>T, p.Arg536Trp (NM_001352418.1); c.*22C>T (NM_001352420.2); c.*16C>T (NM_001352421.2); c.1141C>T, p.Arg381Trp (NM_001352422.2); c.1093C>T, p.Arg365Trp (NM_001352423.2); short protein forms R381W, R406W, R536W, R584W, R413W, R365W, R577W.
Identifiers: ClinVar variation 703589 (VCV000703589.17), dbSNP rs199995104, ClinGen allele CA6274307.

ClinVar aggregate classification (germline): Conflicting classifications of pathogenicity. Review status: criteria provided, conflicting classifications (1 of 4 stars). 6 submissions from 6 submitters: Uncertain significance (3); Benign (2). 1 of the submissions does not count toward it. Last evaluated 2025-11-01.

Conditions:
ALG9-related disorder. Also called: ALG9-related condition.
Inborn genetic diseases. Identifiers: MedGen C0950123, MeSH D030342.
ALG9 congenital disorder of glycosylation (CDG1L). Also called: CDG Il; ALG9-CDG; CONGENITAL DISORDER OF GLYCOSYLATION, TYPE Il. Identifiers: Orphanet 79328, MedGen C2931006, MONDO:0012117, OMIM 608776.

Allele frequency attached by ClinVar (database versions not stated): TOPMed 0.00022; gnomAD exomes 0.00023 and 0.00049; gnomAD 0.00024 and 0.00025; ExAC 0.00041; ESP Exome Variant Server 0.00042.

Submissions (6):

Medical Molecular Genetics, National Research Centre
Classification: Uncertain significance for ALG9 congenital disorder of glycosylation. Last evaluated: 2025-11-01. Review status: criteria provided, single submitter. Criteria: ACMG Guidelines, 2015. Collection method: research. Allele origin: inherited. Affected: yes.

Labcorp Genetics (formerly Invitae), Labcorp
Classification: Benign for ALG9 congenital disorder of glycosylation. Last evaluated: 2025-10-02. Review status: criteria provided, single submitter. Criteria: Invitae Variant Classification Sherloc (09022015). Collection method: clinical testing. Allele origin: germline.

GeneDx
Classification: Uncertain significance. Last evaluated: 2023-03-16. Review status: criteria provided, single submitter. Criteria: GeneDx Variant Classification Process June 2021. Collection method: clinical testing. Allele origin: germline. Affected: yes.
Comment: In silico analysis supports that this missense variant has a deleterious effect on protein structure/function; Has not been previously published as pathogenic or benign to our knowledge

Ambry Genetics
Classification: Uncertain significance for Inborn genetic diseases. Last evaluated: 2022-10-11. Review status: criteria provided, single submitter. Criteria: Ambry Variant Classification Scheme 2023. Collection method: clinical testing. Allele origin: germline.

Breakthrough Genomics
Classification: Benign. Review status: criteria provided, single submitter. Criteria: ACMG Guidelines, 2015. Collection method: not provided. Allele origin: germline. Inheritance: Autosomal recessive inheritance. Affected: yes.

PreventionGenetics, part of Exact Sciences
Classification: Benign for ALG9-related condition. Last evaluated: 2022-12-15. Review status: no assertion criteria provided. Collection method: clinical testing. Allele origin: germline. Not counted in ClinVar's aggregate classification.
Comment: This variant is classified as benign based on ACMG/AMP sequence variant interpretation guidelines (Richards et al. 2015 PMID: 25741868, with internal and published modifications).